The following is an entry in ClinVar:

NM_033305.3(VPS13A):c.1036A>G (p.Arg346Gly)

Gene: VPS13A (vacuolar protein sorting 13 homolog A; plus strand). Cytogenetic location: 9q21.2.
Variant type: single nucleotide variant.
Coding change: c.1036A>G on transcript NM_033305.3 (MANE Select); coding-DNA position 1036, A replaced by G.
Protein change: p.Arg346Gly; replaces arginine 346 with glycine.
Molecular consequence: missense variant.
Genome position (GRCh38, 1-based): chr9:77,221,231, A>G. VCF-style: chr9-77221231-A-G. GRCh37 (hg19) VCF-style: chr9-79836147-A-G.
Other names: c.1036A>G, p.Arg346Gly (NM_015186.4, NM_001018038.3, NM_001018037.2); short protein forms R346G.
Identifiers: ClinVar variation 3673426 (VCV003673426.2).

ClinVar aggregate classification (germline): Uncertain significance (1 of 4 stars; one submission).

gnomAD v4.1: 3 of 1,613,554 alleles (0.00019%); highest among the groups gnomAD compares: Non-Finnish European, 0.00025%; no homozygotes.

Submission:

Labcorp Genetics (formerly Invitae), Labcorp
Classification: Uncertain significance. Last evaluated: 2024-10-07. Review status: criteria provided, single submitter. Criteria: Invitae Variant Classification Sherloc (09022015). Collection method: clinical testing. Allele origin: germline.
Comment: This sequence change replaces arginine, which is basic and polar, with glycine, which is neutral and non-polar, at codon 346 of the VPS13A protein (p.Arg346Gly). This variant is not present in population databases (gnomAD no frequency). This variant has not been reported in the literature in individuals affected with VPS13A-related conditions. Invitae Evidence Modeling of protein sequence and biophysical properties (such as structural, functional, and spatial information, amino acid conservation, physicochemical variation, residue mobility, and thermodynamic stability) indicates that this missense variant is not expected to disrupt VPS13A protein function with a negative predictive value of 80%. In summary, the available evidence is currently insufficient to determine the role of this variant in disease. Therefore, it has been classified as a Variant of Uncertain Significance.